The following is an entry in ClinVar:

NM_022437.3(ABCG8):c.1513T>C (p.Cys505Arg)

Gene: ABCG8 (ATP binding cassette subfamily G member 8; plus strand). Cytogenetic location: 2p21.
Variant type: single nucleotide variant.
Coding change: c.1513T>C on transcript NM_022437.3 (MANE Select); coding-DNA position 1513, T replaced by C.
Protein change: p.Cys505Arg; replaces cysteine 505 with arginine.
Molecular consequence: missense variant.
Genome position (GRCh38, 1-based): chr2:43,875,170, T>C. VCF-style: chr2-43875170-T-C. GRCh37 (hg19) VCF-style: chr2-44102309-T-C.
Other names: c.1510T>C, p.Cys504Arg (NM_001357321.2); short protein forms C504R, C505R.
Identifiers: ClinVar variation 963638 (VCV000963638.12), dbSNP rs1020921571, ClinGen allele CA46470811.

ClinVar aggregate classification (germline): Uncertain significance. Review status: criteria provided, multiple submitters, no conflicts (2 of 4 stars). 3 submissions from 3 submitters: Uncertain significance (3). Last evaluated 2025-03-26.

Conditions:
Sitosterolemia 1. Identifiers: MedGen C2749759, MONDO:0020747, OMIM 210250.
Cardiovascular phenotype. Identifiers: MedGen CN230736.

Allele frequency attached by ClinVar (database versions not stated): gnomAD 0.00001; TOPMed 0.00001.
gnomAD v4.1: 8 of 1,614,132 alleles (0.0005%); highest among the groups gnomAD compares: Non-Finnish European, 0.00068%; no homozygotes.

Submissions (3):

Ambry Genetics
Classification: Uncertain significance for Cardiovascular phenotype. Last evaluated: 2025-03-26. Review status: criteria provided, single submitter. Criteria: Ambry Variant Classification Scheme 2023. Collection method: clinical testing. Allele origin: germline.
Comment: The p.C505R variant (also known as c.1513T>C), located in coding exon 11 of the ABCG8 gene, results from a T to C substitution at nucleotide position 1513. The cysteine at codon 505 is replaced by arginine, an amino acid with highly dissimilar properties. This amino acid position is well conserved in available vertebrate species. In addition, this alteration is predicted to be deleterious by in silico analysis. Based on the available evidence, the clinical significance of this variant remains unclear.

Revvity Omics, Revvity
Classification: Uncertain significance for Sitosterolemia 1. Last evaluated: 2024-04-12. Review status: criteria provided, single submitter. Criteria: ACMG Guidelines, 2015. Collection method: clinical testing. Allele origin: germline.

Labcorp Genetics (formerly Invitae), Labcorp
Classification: Uncertain significance. Last evaluated: 2022-02-03. Review status: criteria provided, single submitter. Criteria: Invitae Variant Classification Sherloc (09022015). Collection method: clinical testing. Allele origin: germline.
Comment: In summary, the available evidence is currently insufficient to determine the role of this variant in disease. Therefore, it has been classified as a Variant of Uncertain Significance. Algorithms developed to predict the effect of missense changes on protein structure and function are either unavailable or do not agree on the potential impact of this missense change (SIFT: "Deleterious"; PolyPhen-2: "Probably Damaging"; Align-GVGD: "Class C0"). ClinVar contains an entry for this variant (Variation ID: 963638). This variant has not been reported in the literature in individuals affected with ABCG8-related conditions. This variant is not present in population databases (gnomAD no frequency). This sequence change replaces cysteine, which is neutral and slightly polar, with arginine, which is basic and polar, at codon 505 of the ABCG8 protein (p.Cys505Arg).